The following is an entry in ClinVar:

NM_002382.5(MAX):c.457A>G (p.Lys153Glu)

Gene: MAX (MYC associated transcriptional regulator X; minus strand). Cytogenetic location: 14q23.3.
Variant type: single nucleotide variant.
Coding change: c.457A>G on transcript NM_002382.5 (MANE Select); coding-DNA position 457, A replaced by G.
Protein change: p.Lys153Glu; replaces lysine 153 with glutamic acid.
Molecular consequence: missense variant. On other transcripts: 3 prime UTR variant (12), non-coding transcript variant (7), intron variant (2).
Genome position (GRCh38, 1-based): chr14:65,076,502, T>C on the plus strand (A>G on the coding strand, the complement: MAX is on the minus strand). VCF-style: chr14-65076502-T-C. GRCh37 (hg19) VCF-style: chr14-65543220-T-C.
Other names: c.268A>G, p.Lys90Glu (NM_001320415.2, NM_001407105.1, NM_001407106.1 and 1 more transcripts); c.457A>G, p.Lys153Glu (NM_001407094.1); c.430A>G, p.Lys144Glu (NM_001407095.1, NM_145112.3); c.*230A>G (NM_001407096.1, NM_001407099.1, NM_001407102.1 and 2 more transcripts); c.*246A>G (NM_001407097.1, NM_001407100.1, NM_001407101.1 and 4 more transcripts); c.349A>G, p.Lys117Glu (NM_001407098.1); c.256A>G, p.Lys86Glu (NM_001407111.1, NM_001407112.1); c.144+17206A>G (NM_001271069.2); and 1 more; short protein forms K90E, K117E, K153E, K144E, K86E.
Identifiers: ClinVar variation 3543691 (VCV003543691.1).
Genomic context (GRCh38, chr14:65,076,502, plus strand): 5'-AGACAGTTTTTATTGCTGGCCTGCCCCGAGTGGCTTAGCTGGCCTCCATCCGGAGCTTCT[T>C]CCTGCTTTGGGGCTCTTCAGGCTCAGACTCCGAGCTGGAGTCCGAGCCCCCATCGAAGGC-3'
Protein context (NP_002373.3, residues 143-160): ESEPEEPQSR[Lys153Glu]KLRMEAS

ClinVar aggregate classification (germline): Uncertain significance (1 of 4 stars; one submission).

Conditions:
Hereditary cancer-predisposing syndrome. Also called: Hereditary Cancer Syndrome; Hereditary neoplastic syndrome; Tumor predisposition; Neoplastic Syndromes, Hereditary. Identifiers: Orphanet 140162, MedGen C0027672, MeSH D009386, MONDO:0015356.

Submission:

Ambry Genetics
Classification: Uncertain significance for Hereditary cancer-predisposing syndrome. Last evaluated: 2024-08-02. Review status: criteria provided, single submitter. Criteria: Ambry Variant Classification Scheme 2023. Collection method: clinical testing. Allele origin: germline.
Comment: The p.K153E variant (also known as c.457A>G), located in coding exon 5 of the MAX gene, results from an A to G substitution at nucleotide position 457. The lysine at codon 153 is replaced by glutamic acid, an amino acid with similar properties. This amino acid position is conserved. In addition, this alteration is predicted to be deleterious by in silico analysis. Based on the available evidence, the clinical significance of this variant remains unclear.